The following is an entry in ClinVar:

ClinVar aggregate classification (germline): Uncertain significance (1 of 4 stars; one submission).

Conditions:
DYNC1H1-related disorder. Also called: DYNC1H1-related condition; DYNC1H1-related disorders. Identifiers: MedGen CN381529.

Submission:

PreventionGenetics, part of Exact Sciences
Classification: Uncertain significance for DYNC1H1-related condition. Last evaluated: 2025-08-20. Review status: criteria provided, single submitter. Criteria: ACMG Guidelines, 2015. Collection method: clinical testing. Allele origin: germline.
Comment: The DYNC1H1 c.1685C>A variant is predicted to result in the amino acid substitution p.Thr562Asn. To our knowledge, this variant has not been reported in the literature or in a large population database (gnomAD), indicating this variant is rare. At this time, the clinical significance of this variant is uncertain due to the absence of conclusive functional and genetic evidence.

NM_001376.5(DYNC1H1):c.1685C>A (p.Thr562Asn)

Gene: DYNC1H1 (dynein cytoplasmic 1 heavy chain 1; plus strand). Cytogenetic location: 14q32.31.
Variant type: single nucleotide variant.
Coding change: c.1685C>A on transcript NM_001376.5 (MANE Select); coding-DNA position 1685, C replaced by A.
Protein change: p.Thr562Asn; replaces threonine 562 with asparagine.
Molecular consequence: missense variant.
Genome position (GRCh38, 1-based): chr14:101,985,910, C>A. VCF-style: chr14-101985910-C-A. GRCh37 (hg19) VCF-style: chr14-102452247-C-A.
Other names: short protein forms T562N.
Identifiers: ClinVar variation 5000210 (VCV005000210.1).